The following is an entry in ClinVar:

NM_000218.3(KCNQ1):c.1514+34801_1514+34804del

Genes: KCNQ1 (potassium voltage-gated channel subfamily Q member 1; plus strand), KCNQ1OT1 (KCNQ1 opposite strand/antisense transcript 1; minus strand). Cytogenetic location: 11p15.5.
Variant type: Microsatellite.
Coding change: c.1514+34801_1514+34804del on transcript NM_000218.3 (MANE Select); bases 34801 to 34804 of the intron after coding-DNA position 1514, 4 bases deleted (GTTT; older notation c.1514+34801_1514+34804delGTTT).
Molecular consequence: intron variant. On other transcripts: non-coding transcript variant (1).
Genome position (GRCh38, 1-based): chr11:2,696,882-2,696,885, GTTT deleted; deleting any 4 consecutive bases within chr11:2,696,878-2,696,885 gives the same sequence; the c. name uses the placement nearest the transcript's 3' end. VCF-style (leftmost placement, unchanged base first): chr11-2696877-GGTTT-G. GRCh37 (hg19) VCF-style: chr11-2718107-GGTTT-G.
Other names: c.1244+34801_1244+34804del (NM_001406837.1); c.1418+34801_1418+34804del (NM_001406836.1); c.974+34801_974+34804del (NM_001406838.1); c.1133+34801_1133+34804del (NM_181798.2).
Identifiers: ClinVar variation 4874019 (VCV004874019.2).

ClinVar aggregate classification (germline): Likely benign (1 of 4 stars; one submission).

Submission:

CeGaT Center for Human Genetics Tuebingen
Classification: Likely benign. Last evaluated: 2026-06-01. Review status: criteria provided, single submitter. Criteria: CeGaT Center For Human Genetics Tuebingen Variant Classification Criteria Version 2. Collection method: clinical testing. Allele origin: germline. Affected: yes. Observed: 1 variant allele.
Comment: KCNQ1OT1: BS1